The following is an entry in ClinVar:

NM_017514.5(PLXNA3):c.1022C>T (p.Thr341Ile)

Gene: PLXNA3 (plexin A3; plus strand). Cytogenetic location: Xq28.
Variant type: single nucleotide variant.
Coding change: c.1022C>T on transcript NM_017514.5 (MANE Select); coding-DNA position 1022, C replaced by T.
Protein change: p.Thr341Ile; replaces threonine 341 with isoleucine.
Molecular consequence: missense variant.
Genome position (GRCh38, 1-based): chrX:154,461,526, C>T. VCF-style: chrX-154461526-C-T. GRCh37 (hg19) VCF-style: chrX-153689866-C-T.
Other names: short protein forms T341I.
Identifiers: ClinVar variation 5001266 (VCV005001266.1).
Genomic context (GRCh38, chrX:154,461,526, plus strand): 5'-TCTCTCAGGGCCAGAAGAACCGGGCCAGCCCACCCCGGCAGACCATCCTCTGCCTCTTCA[C>T]CCTCAGCAACATCAATGCCCACATCCGGCGCCGCATCCAGTCCTGCTATCGTGGGGAGGG-3'
Protein context (NP_059984.3, residues 331-351): PPRQTILCLF[Thr341Ile]LSNINAHIRR

ClinVar aggregate classification (germline): Uncertain significance (1 of 4 stars; one submission).

Conditions:
PLXNA3-related disorder. Also called: PLXNA3-related condition.

gnomAD v4.1: 1 of 1,211,440 alleles (0.000083%); highest among the groups gnomAD compares: Non-Finnish European, 0.00011%; no homozygotes.

Submission:

PreventionGenetics, part of Exact Sciences
Classification: Uncertain significance for PLXNA3-related condition. Last evaluated: 2025-08-14. Review status: criteria provided, single submitter. Criteria: ACMG Guidelines, 2015. Collection method: clinical testing. Allele origin: germline.
Comment: The PLXNA3 c.1022C>T variant is predicted to result in the amino acid substitution p.Thr341Ile. To our knowledge, this variant has not been reported in the literature or in a large population database (gnomAD), indicating this variant is rare. At this time, the clinical significance of this variant is uncertain due to the absence of conclusive functional and genetic evidence.